The following is an entry in ClinVar:

NM_182914.3(SYNE2):c.13554+3A>G

Gene: SYNE2 (spectrin repeat containing nuclear envelope protein 2; plus strand). Cytogenetic location: 14q23.2.
Variant type: single nucleotide variant.
Coding change: c.13554+3A>G on transcript NM_182914.3 (MANE Select); 3 bases into the intron after coding-DNA position 13554, A replaced by G.
Molecular consequence: intron variant.
Genome position (GRCh38, 1-based): chr14:64,125,213, A>G. VCF-style: chr14-64125213-A-G. GRCh37 (hg19) VCF-style: chr14-64591931-A-G.
Other names: c.13554+3A>G (NM_015180.6).
Identifiers: ClinVar variation 2752079 (VCV002752079.3), dbSNP rs189739296, ClinGen allele CA7222478.

ClinVar aggregate classification (germline): Uncertain significance (1 of 4 stars; one submission).

Conditions:
Emery-Dreifuss muscular dystrophy 5, autosomal dominant (EDMD5). Also called: EMERY-DREIFUSS MUSCULAR DYSTROPHY 5. Identifiers: Orphanet 261, MedGen C2751805, MONDO:0013072, OMIM 612999.

Allele frequency attached by ClinVar (database versions not stated): gnomAD 0.00003; TOPMed 0.00005; 1000 Genomes Project 30x 0.00031; 1000 Genomes Project 0.00040.
gnomAD v4.1: 22 of 1,614,120 alleles (0.0014%); highest among the groups gnomAD compares: East Asian, 0.04%; no homozygotes.

Submission:

Labcorp Genetics (formerly Invitae), Labcorp
Classification: Uncertain significance for Emery-Dreifuss muscular dystrophy 5, autosomal dominant. Last evaluated: 2023-04-09. Review status: criteria provided, single submitter. Criteria: Invitae Variant Classification Sherloc (09022015). Collection method: clinical testing. Allele origin: germline.
Comment: This sequence change falls in intron 71 of the SYNE2 gene. It does not directly change the encoded amino acid sequence of the SYNE2 protein. It affects a nucleotide within the consensus splice site. In summary, the available evidence is currently insufficient to determine the role of this variant in disease. Therefore, it has been classified as a Variant of Uncertain Significance. Variants that disrupt the consensus splice site are a relatively common cause of aberrant splicing (PMID: 17576681, 9536098). Algorithms developed to predict the effect of sequence changes on RNA splicing suggest that this variant may disrupt the consensus splice site. This variant has not been reported in the literature in individuals affected with SYNE2-related conditions. This variant is present in population databases (rs189739296, gnomAD 0.06%), and has an allele count higher than expected for a pathogenic variant.

Literature cited by the submitters: PubMed 17576681; PubMed 9536098.